The following is an entry in ClinVar:

ClinVar aggregate classification (germline): Uncertain significance (1 of 4 stars; one submission).

Conditions:
RYR1-related disorder. Also called: RYR1-related condition; RYR1-related disorders. Identifiers: MedGen CN239331.

gnomAD v4.1: 1 of 1,421,778 alleles (0.00007%); highest among the groups gnomAD compares: Non-Finnish European, 0.000091%; no homozygotes.

Submission:

Labcorp Genetics (formerly Invitae), Labcorp
Classification: Uncertain significance for RYR1-related disorder. Last evaluated: 2026-01-30. Review status: criteria provided, single submitter. Criteria: Invitae Variant Classification Sherloc (09022015). Collection method: clinical testing. Allele origin: germline.
Comment: This sequence change replaces aspartic acid, which is acidic and polar, with glutamic acid, which is acidic and polar, at codon 4456 of the RYR1 protein (p.Asp4456Glu). This variant is not present in population databases (gnomAD no frequency). This variant has not been reported in the literature in individuals affected with RYR1-related conditions. Invitae Evidence Modeling of protein sequence and biophysical properties (such as structural, functional, and spatial information, amino acid conservation, physicochemical variation, residue mobility, and thermodynamic stability) indicates that this missense variant is not expected to disrupt RYR1 protein function with a negative predictive value of 80%. In summary, the available evidence is currently insufficient to determine the role of this variant in disease. Therefore, it has been classified as a Variant of Uncertain Significance.

NM_000540.3(RYR1):c.13368C>A (p.Asp4456Glu)

Gene: RYR1 (ryanodine receptor 1; plus strand). Cytogenetic location: 19q13.2.
Variant type: single nucleotide variant.
Coding change: c.13368C>A on transcript NM_000540.3 (MANE Select); coding-DNA position 13368, C replaced by A.
Protein change: p.Asp4456Glu; replaces aspartic acid 4456 with glutamic acid.
Molecular consequence: missense variant.
Genome position (GRCh38, 1-based): chr19:38,565,702, C>A. VCF-style: chr19-38565702-C-A. GRCh37 (hg19) VCF-style: chr19-39056342-C-A.
Other names: c.13353C>A, p.Asp4451Glu (NM_001042723.2); short protein forms D4451E, D4456E.
Identifiers: ClinVar variation 4802133 (VCV004802133.1).